The following is an entry in ClinVar:

ClinVar aggregate classification (germline): Likely benign. Review status: criteria provided, multiple submitters, no conflicts (2 of 4 stars). 3 submissions from 3 submitters: Likely benign (3). Last evaluated 2024-08-05.

Conditions:
Methylcobalamin deficiency type cblG (HMAG). Also called: HOMOCYSTINURIA-MEGALOBLASTIC ANEMIA DUE TO DEFECT IN COBALAMIN METABOLISM, cblG COMPLEMENTATION TYPE; HOMOCYSTINURIA-MEGALOBLASTIC ANEMIA, cblG COMPLEMENTATION TYPE; HOMOCYSTINURIA-MEGALOBLASTIC ANEMIA, cblG TYPE; Functional methionine synthase deficiency type cblG. Identifiers: Orphanet 2170, Orphanet 622, MedGen C1855128, MONDO:0009609, OMIM 250940.

Allele frequency attached by ClinVar (database versions not stated): gnomAD 0.00007 and 0.00008; ESP Exome Variant Server 0.00015; gnomAD exomes 0.00015 and 0.00006; ExAC 0.00006; TOPMed 0.00006.
gnomAD v4.1: 230 of 1,613,558 alleles (0.014%); highest among the groups gnomAD compares: Non-Finnish European, 0.019%; no homozygotes.

Submissions (3):

Labcorp Genetics (formerly Invitae), Labcorp
Classification: Likely benign for Methylcobalamin deficiency type cblG. Last evaluated: 2024-08-05. Review status: criteria provided, single submitter. Criteria: Invitae Variant Classification Sherloc (09022015). Collection method: clinical testing. Allele origin: germline.

Blueprint Genetics
Classification: Likely benign. Last evaluated: 2022-08-05. Review status: criteria provided, single submitter. Criteria: ACMG Guidelines, 2015. Collection method: clinical testing. Allele origin: germline.

GeneDx
Classification: Likely benign. Last evaluated: 2016-10-14. Review status: criteria provided, single submitter. Criteria: GeneDx Variant Classification (06012015). Collection method: clinical testing. Allele origin: germline. Affected: yes.
Comment: This variant is considered likely benign or benign based on one or more of the following criteria: it is a conservative change, it occurs at a poorly conserved position in the protein, it is predicted to be benign by multiple in silico algorithms, and/or has population frequency not consistent with disease.

NM_000254.3(MTR):c.2196+19G>T

Gene: MTR (5-methyltetrahydrofolate-homocysteine methyltransferase; plus strand). Cytogenetic location: 1q43.
Variant type: single nucleotide variant.
Coding change: c.2196+19G>T on transcript NM_000254.3 (MANE Select); 19 bases into the intron after coding-DNA position 2196, G replaced by T.
Molecular consequence: intron variant.
Genome position (GRCh38, 1-based): chr1:236,861,296, G>T. VCF-style: chr1-236861296-G-T. GRCh37 (hg19) VCF-style: chr1-237024596-G-T.
Other names: c.2044-940G>T (NM_001291939.1); c.975+19G>T (NM_001291940.2).
Identifiers: ClinVar variation 389743 (VCV000389743.9), dbSNP rs372533462, ClinGen allele CA1474310.